The following is an entry in ClinVar:

NM_016097.5(IER3IP1):c.226G>T (p.Val76Leu)

Gene: IER3IP1 (immediate early response 3 interacting protein 1; minus strand). Cytogenetic location: 18q21.1.
Variant type: single nucleotide variant.
Coding change: c.226G>T on transcript NM_016097.5 (MANE Select); coding-DNA position 226, G replaced by T.
Protein change: p.Val76Leu; replaces valine 76 with leucine.
Molecular consequence: missense variant.
Genome position (GRCh38, 1-based): chr18:47,156,200, C>A on the plus strand (G>T on the coding strand, the complement: IER3IP1 is on the minus strand). VCF-style: chr18-47156200-C-A. GRCh37 (hg19) VCF-style: chr18-44682571-C-A.
Other names: short protein forms V76L.
Identifiers: ClinVar variation 2878302 (VCV002878302.3), dbSNP rs891865496, ClinGen allele CA402489668.

ClinVar aggregate classification (germline): Uncertain significance (1 of 4 stars; one submission).

Conditions:
Microcephaly, epilepsy, and diabetes syndrome. Identifiers: Orphanet 306558, MedGen C3280240, MONDO:0100328.

Submission:

Labcorp Genetics (formerly Invitae), Labcorp
Classification: Uncertain significance for Microcephaly, epilepsy, and diabetes syndrome. Last evaluated: 2025-10-02. Review status: criteria provided, single submitter. Criteria: Invitae Variant Classification Sherloc (09022015). Collection method: clinical testing. Allele origin: germline.
Comment: This sequence change replaces valine, which is neutral and non-polar, with leucine, which is neutral and non-polar, at codon 76 of the IER3IP1 protein (p.Val76Leu). This variant is not present in population databases (gnomAD no frequency). This variant has not been reported in the literature in individuals affected with IER3IP1-related conditions. ClinVar contains an entry for this variant (Variation ID: 2878302). An algorithm developed to predict the effect of missense changes on protein structure and function (PolyPhen-2) suggests that this variant is likely to be tolerated. In summary, the available evidence is currently insufficient to determine the role of this variant in disease. Therefore, it has been classified as a Variant of Uncertain Significance.